The following is an entry in ClinVar:

NM_022455.5(NSD1):c.7898G>C (p.Arg2633Pro)

Gene: NSD1 (nuclear receptor binding SET domain protein 1; plus strand). Cytogenetic location: 5q35.3.
Variant type: single nucleotide variant.
Coding change: c.7898G>C on transcript NM_022455.5 (MANE Select); coding-DNA position 7898, G replaced by C.
Protein change: p.Arg2633Pro; replaces arginine 2633 with proline.
Molecular consequence: missense variant.
Genome position (GRCh38, 1-based): chr5:177,295,266, G>C. VCF-style: chr5-177295266-G-C. GRCh37 (hg19) VCF-style: chr5-176722267-G-C.
Other names: c.7025G>C, p.Arg2342Pro (NM_001365684.2, NM_001409308.1, NM_172349.5); c.7898G>C, p.Arg2633Pro (NM_001409301.1, NM_001409302.1, NM_001409303.1); c.7478G>C, p.Arg2493Pro (NM_001409304.1); c.7145G>C, p.Arg2382Pro (NM_001409305.1); c.7136G>C, p.Arg2379Pro (NM_001409306.1, NM_001409307.1); c.6776G>C, p.Arg2259Pro (NM_001409309.1); short protein forms R2259P, R2342P, R2379P, R2382P, R2493P, R2633P.
Identifiers: ClinVar variation 3372824 (VCV003372824.2).
Genomic context (GRCh38, chr5:177,295,266, plus strand): 5'-AAGAAAAGAAGTTGGTAACCACAGAGCAAAGTCCCTGGGCCCTGGGAAAAGCCTCATCAC[G>C]GGCAGGGCTCTGGCCCATAGTGGCTGGACAGACACTGGCACAGTCTTGCTGGTCTGCTGG-3'
Protein context (NP_071900.2, residues 2623-2643): SPWALGKASS[Arg2633Pro]AGLWPIVAGQ

ClinVar aggregate classification (germline): Uncertain significance (1 of 4 stars; one submission).

Submission:

GeneDx
Classification: Uncertain significance. Last evaluated: 2025-07-15. Review status: criteria provided, single submitter. Criteria: GeneDx Variant Classification Process June 2021. Collection method: clinical testing. Allele origin: germline. Affected: yes.
Comment: Not observed at significant frequency in large population cohorts (gnomAD); In silico analysis suggests that this missense variant does not alter protein structure/function; Has not been previously published as pathogenic or benign to our knowledge